The following is an entry in ClinVar:

ClinVar aggregate classification (germline): Uncertain significance. Review status: criteria provided, multiple submitters, no conflicts (2 of 4 stars). 3 submissions from 3 submitters: Uncertain significance (3). Last evaluated 2025-11-21.

Conditions:
Inborn genetic diseases. Identifiers: MedGen C0950123, MeSH D030342.
Myopathy due to calsequestrin and SERCA1 protein overload. Also called: Myopathy, vacuolar, with casq1 aggregates. Identifiers: Orphanet 88635, MedGen C4015624, MONDO:0014546, OMIM 616231.

Allele frequency attached by ClinVar (database versions not stated): TOPMed 0.00001; gnomAD 0.00002; ExAC 0.00002; gnomAD exomes 0.00004.

Submissions (3):

Labcorp Genetics (formerly Invitae), Labcorp
Classification: Uncertain significance. Last evaluated: 2025-11-21. Review status: criteria provided, single submitter. Criteria: Invitae Variant Classification Sherloc (09022015). Collection method: clinical testing. Allele origin: germline.
Comment: This sequence change replaces aspartic acid, which is acidic and polar, with glycine, which is neutral and non-polar, at codon 159 of the CASQ1 protein (p.Asp159Gly). This variant is present in population databases (rs767030669, gnomAD 0.005%). This variant has not been reported in the literature in individuals affected with CASQ1-related conditions. ClinVar contains an entry for this variant (Variation ID: 2397771). Invitae Evidence Modeling of protein sequence and biophysical properties (such as structural, functional, and spatial information, amino acid conservation, physicochemical variation, residue mobility, and thermodynamic stability) indicates that this missense variant is not expected to disrupt CASQ1 protein function with a negative predictive value of 80%. In summary, the available evidence is currently insufficient to determine the role of this variant in disease. Therefore, it has been classified as a Variant of Uncertain Significance.

Revvity Omics, Revvity
Classification: Uncertain significance for Myopathy due to calsequestrin and SERCA1 protein overload. Last evaluated: 2023-12-05. Review status: criteria provided, single submitter. Criteria: ACMG Guidelines, 2015. Collection method: clinical testing. Allele origin: germline.

Ambry Genetics
Classification: Uncertain significance for Inborn genetic diseases. Last evaluated: 2022-02-24. Review status: criteria provided, single submitter. Criteria: Ambry Variant Classification Scheme 2023. Collection method: clinical testing. Allele origin: germline.

NM_001231.5(CASQ1):c.476A>G (p.Asp159Gly)

Gene: CASQ1 (calsequestrin 1; plus strand). Cytogenetic location: 1q23.2.
Variant type: single nucleotide variant.
Coding change: c.476A>G on transcript NM_001231.5 (MANE Select); coding-DNA position 476, A replaced by G.
Protein change: p.Asp159Gly; replaces aspartic acid 159 with glycine.
Molecular consequence: missense variant.
Genome position (GRCh38, 1-based): chr1:160,195,022, A>G. VCF-style: chr1-160195022-A-G. GRCh37 (hg19) VCF-style: chr1-160164812-A-G.
Other names: short protein forms D159G.
Identifiers: ClinVar variation 2397771 (VCV002397771.6), dbSNP rs767030669, ClinGen allele CA1196214.
Genomic context (GRCh38, chr1:160,195,022, plus strand): 5'-GTTCTACTTGAGGATAGAAACTCTCTTCCTGCAATGTCCTCCTCTTTCAGGTCCTAGAGG[A>G]CCCTGTGGAATTGATTGAAGGTGAACGAGAGCTGCAGGCGTTTGAGAATATTGAGGATGA-3'
Protein context (NP_001222.3, residues 149-169): IVEFLLDVLE[Asp159Gly]PVELIEGERE